The following is an entry in ClinVar:

ClinVar aggregate classification (germline): Uncertain significance (1 of 4 stars; one submission).

Conditions:
Hereditary pancreatitis (PCTT). Also called: Hereditary chronic pancreatitis; PRSS1-Related Hereditary Pancreatitis. Identifiers: Orphanet 676, MedGen C0238339, MONDO:0008185, OMIM 167800.

gnomAD v4.1: 1 of 1,614,118 alleles (0.000062%); highest among the groups gnomAD compares: Middle Eastern, 0.016%; no homozygotes.

Submission:

Ambry Genetics
Classification: Uncertain significance for Hereditary pancreatitis. Last evaluated: 2023-03-24. Review status: criteria provided, single submitter. Criteria: Ambry Variant Classification Scheme 2023. Collection method: clinical testing. Allele origin: germline.
Comment: The p.G136C variant (also known as c.406G>T), located in coding exon 3 of the PRSS1 gene, results from a G to T substitution at nucleotide position 406. The glycine at codon 136 is replaced by cysteine, an amino acid with highly dissimilar properties. This amino acid position is conserved. In addition, this alteration is predicted to be deleterious by in silico analysis. Since supporting evidence is limited at this time, the clinical significance of this alteration remains unclear.

NM_002769.5(PRSS1):c.406G>T (p.Gly136Cys)

Genes: TRB (T cell receptor beta locus; plus strand), PRSS1 (serine protease 1; plus strand). Cytogenetic location: 7q34.
Variant type: single nucleotide variant.
Coding change: c.406G>T on transcript NM_002769.5 (MANE Select); coding-DNA position 406, G replaced by T.
Protein change: p.Gly136Cys; replaces glycine 136 with cysteine.
Molecular consequence: missense variant. On other transcripts: non-coding transcript variant (5).
Genome position (GRCh38, 1-based): chr7:142,751,979, G>T. VCF-style: chr7-142751979-G-T. GRCh37 (hg19) VCF-style: chr7-142459830-G-T.
Other names: short protein forms G136C.
Identifiers: ClinVar variation 2563186 (VCV002563186.2), dbSNP rs1798778277, ClinGen allele CA369609085.